The following is an entry in ClinVar:

NM_001292063.2(OTOG):c.7542C>G (p.Leu2514=)

Gene: OTOG (otogelin; plus strand). Cytogenetic location: 11p15.1.
Variant type: single nucleotide variant.
Coding change: c.7542C>G on transcript NM_001292063.2 (MANE Select); coding-DNA position 7542, C replaced by G.
Protein change: p.Leu2514=; no amino-acid change (leucine 2514 retained).
Molecular consequence: synonymous variant.
Genome position (GRCh38, 1-based): chr11:17,634,905, C>G. VCF-style: chr11-17634905-C-G. GRCh37 (hg19) VCF-style: chr11-17656452-C-G.
Other names: c.7578C>G, p.Leu2526= (NM_001277269.2).
Identifiers: ClinVar variation 504939 (VCV000504939.13), dbSNP rs752641698, ClinGen allele CA5906144.

ClinVar aggregate classification (germline): Likely benign. Review status: criteria provided, multiple submitters, no conflicts (2 of 4 stars). 4 submissions from 4 submitters: Likely benign (4). Last evaluated 2025-11-15.

Allele frequency attached by ClinVar (database versions not stated): gnomAD 0.00013; ExAC 0.00015; gnomAD exomes 0.00023 and 0.00024; TOPMed 0.00028.
gnomAD v4.1: 397 of 1,549,350 alleles (0.026%); highest among the groups gnomAD compares: Middle Eastern, 0.18%; 1 homozygote.

Submissions (4):

Labcorp Genetics (formerly Invitae), Labcorp
Classification: Likely benign. Last evaluated: 2025-11-15. Review status: criteria provided, single submitter. Criteria: Invitae Variant Classification Sherloc (09022015). Collection method: clinical testing. Allele origin: germline.

Blueprint Genetics
Classification: Likely benign. Last evaluated: 2024-10-23. Review status: criteria provided, single submitter. Criteria: ACMG Guidelines, 2015. Collection method: clinical testing. Allele origin: germline.

GeneDx
Classification: Likely benign. Last evaluated: 2021-01-06. Review status: criteria provided, single submitter. Criteria: GeneDx Variant Classification Process June 2021. Collection method: clinical testing. Allele origin: germline. Affected: yes.

Laboratory for Molecular Medicine, Mass General Brigham Personalized Medicine
Classification: Likely benign. Last evaluated: 2016-05-05. Review status: criteria provided, single submitter. Criteria: LMM Criteria. Collection method: clinical testing. Allele origin: germline. Observed: 1 variant allele.
Comment: p.Leu2526Leu in exon 44 of OTOG: This variant is not expected to have clinical s ignificance because it does not alter an amino acid residue and is not located w ithin the splice consensus sequence. It has been identified in 2/4478 European c hromosomes by the Exome Aggregation Consortium (ExAC .org; dbSNP rs752641698).